The following is an entry in ClinVar:

ClinVar aggregate classification (germline): Conflicting classifications of pathogenicity. Review status: criteria provided, conflicting classifications (1 of 4 stars). 2 submissions from 2 submitters: Uncertain significance (1); Likely benign (1). Last evaluated 2021-08-24.

Conditions:
Neuronal ceroid lipofuscinosis 7 (CLN7). Also called: MFSD8-Related Neuronal Ceroid-Lipofuscinosis. Identifiers: Orphanet 168491, Orphanet 228366, MedGen C1838571, MONDO:0012588, OMIM 610951.

Allele frequency attached by ClinVar (database versions not stated): TOPMed below 0.00001; ExAC 0.00001; gnomAD 0.00001; gnomAD exomes 0.00002.
gnomAD v4.1: 11 of 1,613,990 alleles (0.00068%); highest among the groups gnomAD compares: South Asian, 0.0055%; no homozygotes.

Submissions (2):

Labcorp Genetics (formerly Invitae), Labcorp
Classification: Uncertain significance for Neuronal ceroid lipofuscinosis 7. Last evaluated: 2021-08-24. Review status: criteria provided, single submitter. Criteria: Invitae Variant Classification Sherloc (09022015). Collection method: clinical testing. Allele origin: germline.
Comment: This sequence change replaces isoleucine with valine at codon 93 of the MFSD8 protein (p.Ile93Val). The isoleucine residue is weakly conserved and there is a small physicochemical difference between isoleucine and valine. This variant is present in population databases (rs578102641, ExAC 0.006%). This variant has not been reported in the literature in individuals affected with MFSD8-related conditions. ClinVar contains an entry for this variant (Variation ID: 206140). Algorithms developed to predict the effect of missense changes on protein structure and function output the following: SIFT: "Tolerated"; PolyPhen-2: "Benign"; Align-GVGD: "Class C0". The valine amino acid residue is found in multiple mammalian species, which suggests that this missense change does not adversely affect protein function. In summary, the available evidence is currently insufficient to determine the role of this variant in disease. Therefore, it has been classified as a Variant of Uncertain Significance.

GeneDx
Classification: Likely benign. Last evaluated: 2014-03-19. Review status: criteria provided, single submitter. Criteria: GeneDx Variant Classification (06012015). Collection method: clinical testing. Allele origin: germline. Affected: yes.
Comment: This variant is considered likely benign or benign based on one or more of the following criteria: it is a conservative change, it occurs at a poorly conserved position in the protein, it is predicted to be benign by multiple in silico algorithms, and/or has population frequency not consistent with disease.

NM_001371596.2(MFSD8):c.277A>G (p.Ile93Val)

Gene: MFSD8 (major facilitator superfamily domain containing 8; minus strand). Cytogenetic location: 4q28.2.
Variant type: single nucleotide variant.
Coding change: c.277A>G on transcript NM_001371596.2 (MANE Select); coding-DNA position 277, A replaced by G.
Protein change: p.Ile93Val; replaces isoleucine 93 with valine.
Molecular consequence: missense variant.
Genome position (GRCh38, 1-based): chr4:127,943,914, T>C on the plus strand (A>G on the coding strand, the complement: MFSD8 is on the minus strand). VCF-style: chr4-127943914-T-C. GRCh37 (hg19) VCF-style: chr4-128865069-T-C.
Other names: p.I93V:ATA>GTA; c.277A>G, p.Ile93Val (NM_001363520.3, NM_001363521.3, NM_001371591.2 and 5 more transcripts); c.142A>G, p.Ile48Val (NM_001371590.2, NM_001371595.1, NM_001410765.1); short protein forms I93V, I48V.
Identifiers: ClinVar variation 206140 (VCV000206140.7), dbSNP rs578102641, ClinGen allele CA315943.